The following is an entry in ClinVar:

NM_001384140.1(PCDH15):c.49C>A (p.Leu17Met)

Gene: PCDH15 (protocadherin related 15; minus strand). Cytogenetic location: 10q21.1.
Variant type: single nucleotide variant.
Coding change: c.49C>A on transcript NM_001384140.1 (MANE Select); coding-DNA position 49, C replaced by A.
Protein change: p.Leu17Met; replaces leucine 17 with methionine.
Molecular consequence: missense variant.
Genome position (GRCh38, 1-based): chr10:54,664,214, G>T on the plus strand (C>A on the coding strand, the complement: PCDH15 is on the minus strand). VCF-style: chr10-54664214-G-T. GRCh37 (hg19) VCF-style: chr10-56423974-G-T.
Other names: c.49C>A, p.Leu17Met (NM_001354430.2, NM_033056.4, NM_001142763.2 and 14 more transcripts); short protein forms L17M.
Identifiers: ClinVar variation 1046616 (VCV001046616.8), dbSNP rs2094534620, ClinGen allele CA376541949.
Genomic context (GRCh38, chr10:54,664,214, plus strand): 5'-AGCTAAAAGCAACCTTACCATCATCATACTGGCCCAAGCAGATTTCAAAGAGAGAGCCCA[G>T]GATGATCCCTGAAGCTAAACATGTCCAGAGATAAAACTGTCGAAACATCTTCTGTCAAAG-3'
Protein context (NP_001371069.1, residues 7-27): LWTCLASGII[Leu17Met]GSLFEICLGQ

ClinVar aggregate classification (germline): Uncertain significance (1 of 4 stars; one submission).

Submission:

Labcorp Genetics (formerly Invitae), Labcorp
Classification: Uncertain significance. Last evaluated: 2024-10-16. Review status: criteria provided, single submitter. Criteria: Invitae Variant Classification Sherloc (09022015). Collection method: clinical testing. Allele origin: germline.
Comment: This sequence change replaces leucine, which is neutral and non-polar, with methionine, which is neutral and non-polar, at codon 17 of the PCDH15 protein (p.Leu17Met). This variant is not present in population databases (gnomAD no frequency). This variant has not been reported in the literature in individuals affected with PCDH15-related conditions. ClinVar contains an entry for this variant (Variation ID: 1046616). Invitae Evidence Modeling of protein sequence and biophysical properties (such as structural, functional, and spatial information, amino acid conservation, physicochemical variation, residue mobility, and thermodynamic stability) indicates that this missense variant is not expected to disrupt PCDH15 protein function with a negative predictive value of 95%. In summary, the available evidence is currently insufficient to determine the role of this variant in disease. Therefore, it has been classified as a Variant of Uncertain Significance.